The following is an entry in ClinVar:

NM_000181.4(GUSB):c.190del (p.Tyr64fs)

Gene: GUSB (glucuronidase beta; minus strand). Cytogenetic location: 7q11.21.
Variant type: Deletion.
Coding change: c.190del on transcript NM_000181.4 (MANE Select); coding-DNA position 190, one base deleted (T; older notation c.190delT).
Protein change: p.Tyr64fs; shifts the reading frame from tyrosine 64.
Molecular consequence: frameshift variant. On other transcripts: 5 prime UTR variant (2), non-coding transcript variant (1).
Genome position (GRCh38, 1-based): chr7:65,981,994, A deleted on the plus strand (T on the coding strand, the reverse complement: GUSB is on the minus strand). VCF-style (leftmost placement, unchanged base first): chr7-65981993-TA-T. GRCh37 (hg19) VCF-style: chr7-65446980-TA-T.
Other names: c.190del, p.Tyr64fs (NM_001284290.2); c.-196del (NM_001293104.2); c.-140del (NM_001293105.2); short protein forms Y64fs.
Identifiers: ClinVar variation 2755268 (VCV002755268.3), dbSNP rs2484857180, ClinGen allele CA2697557310.

ClinVar aggregate classification (germline): Pathogenic (1 of 4 stars; one submission).

Conditions:
Mucopolysaccharidosis type 7 (MPS7). Also called: GUSB DEFICIENCY; SLY SYNDROME; MPS VII; BETA-GLUCURONIDASE DEFICIENCY. Identifiers: Orphanet 584, MedGen C0085132, MONDO:0009662, OMIM 253220.

Submission:

Labcorp Genetics (formerly Invitae), Labcorp
Classification: Pathogenic for Mucopolysaccharidosis type 7. Last evaluated: 2023-08-28. Review status: criteria provided, single submitter. Criteria: Invitae Variant Classification Sherloc (09022015). Collection method: clinical testing. Allele origin: germline.
Comment: For these reasons, this variant has been classified as Pathogenic. Algorithms developed to predict the effect of sequence changes on RNA splicing suggest that this variant may disrupt the consensus splice site. This variant has not been reported in the literature in individuals affected with GUSB-related conditions. This variant is not present in population databases (gnomAD no frequency). This sequence change creates a premature translational stop signal (p.Tyr64Thrfs*42) in the GUSB gene. It is expected to result in an absent or disrupted protein product. Loss-of-function variants in GUSB are known to be pathogenic (PMID: 19224584).

Literature cited by the submitters: PubMed 19224584.